The following is an entry in ClinVar:

NM_001457.4(FLNB):c.3064G>A (p.Gly1022Arg)

Gene: FLNB (filamin B; plus strand). Cytogenetic location: 3p14.3.
Variant type: single nucleotide variant.
Coding change: c.3064G>A on transcript NM_001457.4 (MANE Select); coding-DNA position 3064, G replaced by A.
Protein change: p.Gly1022Arg; replaces glycine 1022 with arginine.
Molecular consequence: missense variant.
Genome position (GRCh38, 1-based): chr3:58,121,441, G>A. VCF-style: chr3-58121441-G-A. GRCh37 (hg19) VCF-style: chr3-58107168-G-A.
Other names: c.3064G>A, p.Gly1022Arg (NM_001164317.2, NM_001164318.2, NM_001164319.2); short protein forms G1022R.
Identifiers: ClinVar variation 1990088 (VCV001990088.5), dbSNP rs1057005655, ClinGen allele CA75445761.

ClinVar aggregate classification (germline): Uncertain significance. Review status: criteria provided, multiple submitters, no conflicts (2 of 4 stars). 2 submissions from 2 submitters: Uncertain significance (2). Last evaluated 2026-02-02.

Conditions:
Boomerang dysplasia. Identifiers: Orphanet 1263, MedGen C0432201, MONDO:0007208, OMIM 112310.
Spondylocarpotarsal synostosis syndrome (SCT). Also called: SPONDYLOCARPOTARSAL SYNDROME; VERTEBRAL FUSION WITH CARPAL COALITION; Synspondylism congenital; Scoliosis, congenital with unilateral unsegmented bar; Spondylocarpotarsal Synostosis Syndrome (FLNB-SCT). Identifiers: Orphanet 3275, MedGen C1848934, MONDO:0010094, OMIM 272460.
Atelosteogenesis type III. Also called: Atelosteogenesis Type 3 (FLNB-AO3). Identifiers: Orphanet 56305, MedGen C3668942, MONDO:0007168, OMIM 108721.
Larsen syndrome (LRS). Also called: Bilateral dislocation of the knees, pes cavus, cylindrically shaped fingers and characteristic facies; Larsen syndrome (FLNB-LS). Identifiers: Orphanet 503, MedGen C0175778, MONDO:0007875, OMIM 150250. Disease mechanism: loss of function.
Atelosteogenesis type I. Also called: GIANT CELL CHONDRODYSPLASIA; SPONDYLOHUMEROFEMORAL HYPOPLASIA; Atelosteogenesis Type 1 (FLNB-AO1). Identifiers: Orphanet 1190, MedGen C0265283, MONDO:0007167, OMIM 108720.

Allele frequency attached by ClinVar (database versions not stated): gnomAD 0.00001; TOPMed 0.00002; gnomAD exomes 0.00005.
gnomAD v4.1: 69 of 1,613,982 alleles (0.0043%); highest among the groups gnomAD compares: Non-Finnish European, 0.0053%; no homozygotes.

Submissions (2):

Labcorp Genetics (formerly Invitae), Labcorp
Classification: Uncertain significance. Last evaluated: 2026-02-02. Review status: criteria provided, single submitter. Criteria: Invitae Variant Classification Sherloc (09022015). Collection method: clinical testing. Allele origin: germline.
Comment: This sequence change replaces glycine, which is neutral and non-polar, with arginine, which is basic and polar, at codon 1022 of the FLNB protein (p.Gly1022Arg). This variant is present in population databases (no rsID available, gnomAD 0.002%). This missense change has been observed in individual(s) with clinical features of thoracic scoliosis (PMID: 36653407). ClinVar contains an entry for this variant (Variation ID: 1990088). Invitae Evidence Modeling of protein sequence and biophysical properties (such as structural, functional, and spatial information, amino acid conservation, physicochemical variation, residue mobility, and thermodynamic stability) indicates that this missense variant is not expected to disrupt FLNB protein function with a negative predictive value of 95%. In summary, the available evidence is currently insufficient to determine the role of this variant in disease. Therefore, it has been classified as a Variant of Uncertain Significance.

Fulgent Genetics
Classification: Uncertain significance for Atelosteogenesis type I; Atelosteogenesis type III; Boomerang dysplasia; Larsen syndrome; Spondylocarpotarsal synostosis syndrome. Last evaluated: 2024-03-13. Review status: criteria provided, single submitter. Criteria: ACMG Guidelines, 2015. Collection method: clinical testing. Allele origin: germline.

Literature cited by the submitters: PubMed 36653407 (cited by Labcorp Genetics (formerly Invitae), Labcorp).